The following is an entry in ClinVar:

NM_000059.4(BRCA2):c.6235G>C (p.Val2079Leu)

Gene: BRCA2 (BRCA2 DNA repair associated; plus strand). Cytogenetic location: 13q13.1.
Variant type: single nucleotide variant.
Coding change: c.6235G>C on transcript NM_000059.4 (MANE Select); coding-DNA position 6235, G replaced by C.
Protein change: p.Val2079Leu; replaces valine 2079 with leucine.
Molecular consequence: missense variant.
Genome position (GRCh38, 1-based): chr13:32,340,590, G>C. VCF-style: chr13-32340590-G-C. GRCh37 (hg19) VCF-style: chr13-32914727-G-C.
Other names: short protein forms V2079L.
Identifiers: ClinVar variation 969788 (VCV000969788.13), dbSNP rs886037812, ClinGen allele CA387788899.

ClinVar aggregate classification (germline): Conflicting classifications of pathogenicity. Review status: criteria provided, conflicting classifications (1 of 4 stars). 3 submissions from 3 submitters: Uncertain significance (2); Likely benign (1). Last evaluated 2025-11-25.

Conditions:
Hereditary cancer-predisposing syndrome. Also called: Neoplastic Syndromes, Hereditary; Hereditary Cancer Syndrome; Tumor predisposition; Hereditary neoplastic syndrome. Identifiers: Orphanet 140162, MedGen C0027672, MeSH D009386, MONDO:0015356.
Hereditary breast ovarian cancer syndrome. Also called: BRCA1- and BRCA2-Associated Hereditary Breast and Ovarian Cancer; Hereditary breast and ovarian cancer; Hereditary breast and ovarian cancer syndrome; Hereditary breast and/or ovarian cancer syndrome; Hereditary breast and ovarian cancer syndrome (HBOC); Breast and ovarian cancer. Identifiers: Orphanet 145, MedGen C0677776, MeSH D061325, MONDO:0003582. Disease mechanism: loss of function.

Allele frequency attached by ClinVar (database versions not stated): gnomAD exomes below 0.00001; TOPMed below 0.00001.
gnomAD v4.1: 1 of 1,608,914 alleles (0.000062%); highest among the groups gnomAD compares: African/African-American, 0.0013%; no homozygotes.

Submissions (3):

Ambry Genetics
Classification: Uncertain significance for Hereditary cancer-predisposing syndrome. Last evaluated: 2025-11-25. Review status: criteria provided, single submitter. Criteria: Ambry Variant Classification Scheme 2023. Collection method: clinical testing. Allele origin: germline.
Comment: The p.V2079L variant (also known as c.6235G>C), located in coding exon 10 of the BRCA2 gene, results from a G to C substitution at nucleotide position 6235. The valine at codon 2079 is replaced by leucine, an amino acid with highly similar properties. This amino acid position is poorly conserved in available vertebrate species. In addition, this alteration is predicted to be tolerated by in silico analysis. Based on the available evidence, the clinical significance of this variant remains unclear.

Labcorp Genetics (formerly Invitae), Labcorp
Classification: Uncertain significance for Hereditary breast ovarian cancer syndrome. Last evaluated: 2025-07-14. Review status: criteria provided, single submitter. Criteria: Invitae Variant Classification Sherloc (09022015). Collection method: clinical testing. Allele origin: germline.
Comment: This sequence change replaces valine, which is neutral and non-polar, with leucine, which is neutral and non-polar, at codon 2079 of the BRCA2 protein (p.Val2079Leu). This variant is present in population databases (no rsID available, gnomAD 0.007%). This variant has not been reported in the literature in individuals affected with BRCA2-related conditions. ClinVar contains an entry for this variant (Variation ID: 969788). Invitae Evidence Modeling of protein sequence and biophysical properties (such as structural, functional, and spatial information, amino acid conservation, physicochemical variation, residue mobility, and thermodynamic stability) indicates that this missense variant is not expected to disrupt BRCA2 protein function with a negative predictive value of 95%. In summary, the available evidence is currently insufficient to determine the role of this variant in disease. Therefore, it has been classified as a Variant of Uncertain Significance.

University of Washington Department of Laboratory Medicine, University of Washington
Classification: Likely benign for Hereditary cancer-predisposing syndrome. Last evaluated: 2023-03-23. Review status: criteria provided, single submitter. Criteria: Dines et al. (Genet Med. 2020). Collection method: curation. Allele origin: germline.
Comment: Missense variant in a coldspot region where missense variants are very unlikely to be pathogenic (PMID:31911673).

BRCA2 exon 11 coldspot. Reclassification based on statistical prior probability.